The following is an entry in ClinVar:

ClinVar aggregate classification (germline): Conflicting classifications of pathogenicity. Review status: criteria provided, conflicting classifications (1 of 4 stars). 3 submissions from 3 submitters: Uncertain significance (2); Likely benign (1). Last evaluated 2025-07-31.

Conditions:
Familial meningioma. Also called: Meningioma, familial, susceptibility to. Identifiers: Orphanet 263662, MedGen C3551915, MONDO:0011789, OMIM 607174.
Hereditary cancer-predisposing syndrome. Also called: Neoplastic Syndromes, Hereditary; Hereditary Cancer Syndrome; Hereditary neoplastic syndrome; Tumor predisposition. Identifiers: Orphanet 140162, MedGen C0027672, MeSH D009386, MONDO:0015356.
Coffin-Siris syndrome 5 (CSS5). Identifiers: Orphanet 1465, MedGen C4310788, MONDO:0014838, OMIM 616938.

Allele frequency attached by ClinVar (database versions not stated): TOPMed below 0.00001; gnomAD 0.00001.

Submissions (3):

Labcorp Genetics (formerly Invitae), Labcorp
Classification: Uncertain significance for Familial meningioma. Last evaluated: 2025-07-31. Review status: criteria provided, single submitter. Criteria: Invitae Variant Classification Sherloc (09022015). Collection method: clinical testing. Allele origin: germline.
Comment: This sequence change replaces arginine, which is basic and polar, with histidine, which is basic and polar, at codon 163 of the SMARCE1 protein (p.Arg163His). This variant is present in population databases (rs762623799, gnomAD 0.002%). This variant has not been reported in the literature in individuals affected with SMARCE1-related conditions. ClinVar contains an entry for this variant (Variation ID: 463425). Invitae Evidence Modeling of protein sequence and biophysical properties (such as structural, functional, and spatial information, amino acid conservation, physicochemical variation, residue mobility, and thermodynamic stability) indicates that this missense variant is not expected to disrupt SMARCE1 protein function with a negative predictive value of 80%. In summary, the available evidence is currently insufficient to determine the role of this variant in disease. Therefore, it has been classified as a Variant of Uncertain Significance.

St. Jude Molecular Pathology, St. Jude Children's Research Hospital
Classification: Uncertain significance for Coffin-Siris syndrome 5. Last evaluated: 2024-08-19. Review status: criteria provided, single submitter. Criteria: St. Jude Assertion Criteria 2020. Collection method: clinical testing. Allele origin: germline.
Comment: The SMARCE1 c.488G>A (p.Arg163His) missense change has a maximum subpopulation frequency of 0.0017% in gnomAD v2.1.1. The in silico tool REVEL predicts a benign effect on protein function, but this prediction has not been confirmed by functional studies. This variant has not been reported in individuals with Coffin-Siris syndrome. In summary, the evidence currently available is insufficient to determine the clinical significance of this variant. It has therefore been classified as of uncertain significance.

Ambry Genetics
Classification: Likely benign for Hereditary cancer-predisposing syndrome. Last evaluated: 2022-03-29. Review status: criteria provided, single submitter. Criteria: Ambry Variant Classification Scheme 2023. Collection method: clinical testing. Allele origin: germline.

NM_003079.5(SMARCE1):c.488G>A (p.Arg163His)

Gene: SMARCE1 (SWI/SNF related BAF chromatin remodeling complex subunit E1; minus strand). Cytogenetic location: 17q21.2.
Variant type: single nucleotide variant.
Coding change: c.488G>A on transcript NM_003079.5 (MANE Select); coding-DNA position 488, G replaced by A.
Protein change: p.Arg163His; replaces arginine 163 with histidine.
Molecular consequence: missense variant.
Genome position (GRCh38, 1-based): chr17:40,635,984, C>T on the plus strand (G>A on the coding strand, the complement: SMARCE1 is on the minus strand). VCF-style: chr17-40635984-C-T. GRCh37 (hg19) VCF-style: chr17-38792236-C-T.
Other names: short protein forms R163H.
Identifiers: ClinVar variation 463425 (VCV000463425.13), dbSNP rs762623799, ClinGen allele CA8545236.